The following is an entry in ClinVar:

NM_006005.3(WFS1):c.1655C>G (p.Thr552Ser)

Gene: WFS1 (wolframin ER transmembrane glycoprotein; plus strand). Cytogenetic location: 4p16.1.
Variant type: single nucleotide variant.
Coding change: c.1655C>G on transcript NM_006005.3 (MANE Select); coding-DNA position 1655, C replaced by G.
Protein change: p.Thr552Ser; replaces threonine 552 with serine.
Molecular consequence: missense variant.
Genome position (GRCh38, 1-based): chr4:6,301,450, C>G. VCF-style: chr4-6301450-C-G. GRCh37 (hg19) VCF-style: chr4-6303177-C-G.
Other names: c.1655C>G, p.Thr552Ser (NM_001145853.1); short protein forms T552S.
Identifiers: ClinVar variation 2817433 (VCV002817433.3), dbSNP rs2474194438, ClinGen allele CA356176427.

ClinVar aggregate classification (germline): Uncertain significance (1 of 4 stars; one submission).

Submission:

Labcorp Genetics (formerly Invitae), Labcorp
Classification: Uncertain significance. Last evaluated: 2022-12-05. Review status: criteria provided, single submitter. Criteria: Invitae Variant Classification Sherloc (09022015). Collection method: clinical testing. Allele origin: germline.
Comment: This variant has not been reported in the literature in individuals affected with WFS1-related conditions. This variant is not present in population databases (gnomAD no frequency). This sequence change replaces threonine, which is neutral and polar, with serine, which is neutral and polar, at codon 552 of the WFS1 protein (p.Thr552Ser). Advanced modeling of protein sequence and biophysical properties (such as structural, functional, and spatial information, amino acid conservation, physicochemical variation, residue mobility, and thermodynamic stability) performed at Invitae indicates that this missense variant is not expected to disrupt WFS1 protein function. In summary, the available evidence is currently insufficient to determine the role of this variant in disease. Therefore, it has been classified as a Variant of Uncertain Significance.